The following is an entry in ClinVar:

ClinVar aggregate classification (germline): Pathogenic (1 of 4 stars; one submission).

Allele frequency attached by ClinVar (database versions not stated): gnomAD exomes below 0.00001 and 0.00001.
gnomAD v4.1: 6 of 1,582,202 alleles (0.00038%); highest among the groups gnomAD compares: Non-Finnish European, 0.00043%; no homozygotes.

Submission:

Seattle Children's Hospital Molecular Genetics Laboratory, Seattle Children's Hospital
Classification: Pathogenic. Last evaluated: 2022-03-03. Review status: criteria provided, single submitter. Criteria: ACMG Guidelines, 2015. Collection method: clinical testing. Allele origin: germline. Affected: yes.
Comment: This variant is predicted to result in loss of gene function, a known mechanism of disease for GLMN-related disorder (PMID: 23801931). Although this variant has not been previously reported in an individual with glomuvenous malformations (GVMs), similar loss-of-function variants have been reported (PMID: 23801931, PMID: 23375657). This variant is present twice (2/251410 alleles) in a general population databases (gnomAD v2.1.1).

NM_053274.3(GLMN):c.1319G>A (p.Trp440Ter)

Gene: GLMN (glomulin, FKBP associated protein; minus strand). Cytogenetic location: 1p22.1.
Variant type: single nucleotide variant.
Coding change: c.1319G>A on transcript NM_053274.3 (MANE Select); coding-DNA position 1319, G replaced by A.
Protein change: p.Trp440Ter; replaces tryptophan 440 with a stop codon.
Molecular consequence: nonsense. On other transcripts: non-coding transcript variant (1).
Genome position (GRCh38, 1-based): chr1:92,263,713, C>T on the plus strand (G>A on the coding strand, the complement: GLMN is on the minus strand). VCF-style: chr1-92263713-C-T. GRCh37 (hg19) VCF-style: chr1-92729270-C-T.
Other names: c.1277G>A, p.Trp426Ter (NM_001319683.2); short protein forms W426*, W440*.
Identifiers: ClinVar variation 1691368 (VCV001691368.2), dbSNP rs1444604286, ClinGen allele CA341098834.